The following is an entry in ClinVar:

ClinVar aggregate classification (germline): Uncertain significance (1 of 4 stars; one submission).

Submission:

Ambry Genetics
Classification: Uncertain significance. Last evaluated: 2025-03-31. Review status: criteria provided, single submitter. Criteria: Ambry Variant Classification Scheme 2023. Collection method: clinical testing. Allele origin: germline.
Comment: The p.M985V variant (also known as c.2953A>G), located in coding exon 11 of the WNK2 gene, results from an A to G substitution at nucleotide position 2953. The methionine at codon 985 is replaced by valine, an amino acid with highly similar properties. This amino acid position is conserved. In addition, this alteration is predicted to be tolerated by in silico analysis. Based on the available evidence, the clinical significance of this variant remains unclear.

NM_006648.4(WNK2):c.2953A>G (p.Met985Val)

Gene: WNK2 (WNK lysine deficient protein kinase 2; plus strand). Cytogenetic location: 9q22.31.
Variant type: single nucleotide variant.
Coding change: c.2953A>G on transcript NM_006648.4 (MANE Select); coding-DNA position 2953, A replaced by G.
Protein change: p.Met985Val; replaces methionine 985 with valine.
Molecular consequence: missense variant.
Genome position (GRCh38, 1-based): chr9:93,259,501, A>G. VCF-style: chr9-93259501-A-G. GRCh37 (hg19) VCF-style: chr9-96021783-A-G.
Other names: c.2953A>G, p.Met985Val (NM_001282394.3); short protein forms M985V.
Identifiers: ClinVar variation 3981772 (VCV003981772.1).
Genomic context (GRCh38, chr9:93,259,501, plus strand): 5'-CAACCTGTGTTGCCCCCGCAACCCACACGGCCCCCTCAACCTGTGCTGCCCCCGCAACCC[A>G]TGCTGCCCCCACAACCTGTGCTGCCCCCGCAGCCGGCACTGCCTGTGCGCCCTGAGCCCC-3'
Protein context (NP_006639.3, residues 975-995): PPQPVLPPQP[Met985Val]LPPQPVLPPQ